The following is an entry in ClinVar:

ClinVar aggregate classification (germline): Conflicting classifications of pathogenicity. Review status: criteria provided, conflicting classifications (1 of 4 stars). 9 submissions from 9 submitters: Uncertain significance (1); Likely benign (7). 1 of the submissions does not count toward it. Last evaluated 2026-09-01.

Conditions:
TTN-related disorder. Also called: TTN-related disorders; TTN-related condition; TTN-related disease.
Autosomal recessive limb-girdle muscular dystrophy type 2J (LGMDR10). Also called: MUSCULAR DYSTROPHY, LIMB-GIRDLE, AUTOSOMAL RECESSIVE 10; Limb-girdle muscular dystrophy, type 2J. Identifiers: Orphanet 140922, MedGen C1837342, MONDO:0012127, OMIM 608807.
Dilated cardiomyopathy 1G (CMD1G). Identifiers: Orphanet 154, MedGen C1858763, MONDO:0011400, OMIM 604145.
Cardiomyopathy (CMYO). Also called: Cardiomyopathies. Identifiers: Orphanet 167848, MedGen C0878544, MONDO:0004994, HP:0001638. Inheritance: Various modes of inheritance.

Allele frequency attached by ClinVar (database versions not stated): TOPMed 0.00002; gnomAD 0.00005 and 0.00008; ESP Exome Variant Server 0.00008; 1000 Genomes Project 30x 0.00016; 1000 Genomes Project 0.00020.
gnomAD v4.1: 130 of 1,613,014 alleles (0.0081%); highest among the groups gnomAD compares: Non-Finnish European, 0.0075%; no homozygotes.

Submissions (9):

CeGaT Center for Human Genetics Tuebingen
Classification: Likely benign. Last evaluated: 2026-09-01. Review status: criteria provided, single submitter. Criteria: CeGaT Center For Human Genetics Tuebingen Variant Classification Criteria Version 2. Collection method: clinical testing. Allele origin: germline. Affected: yes. Observed: 3 variant alleles.
Comment: TTN: BP4, BP7

Labcorp Genetics (formerly Invitae), Labcorp
Classification: Likely benign for Dilated cardiomyopathy 1G; Autosomal recessive limb-girdle muscular dystrophy type 2J. Last evaluated: 2026-01-21. Review status: criteria provided, single submitter. Criteria: Invitae Variant Classification Sherloc (09022015). Collection method: clinical testing. Allele origin: germline.

Mayo Clinic Laboratories, Mayo Clinic
Classification: Likely benign. Last evaluated: 2024-12-30. Review status: criteria provided, single submitter. Criteria: ACMG Guidelines, 2015. Collection method: clinical testing. Allele origin: germline. Observed: 1 variant allele.
Comment: BP4, BP7

Blueprint Genetics
Classification: Likely benign. Last evaluated: 2024-10-23. Review status: criteria provided, single submitter. Criteria: ACMG Guidelines, 2015. Collection method: clinical testing. Allele origin: germline.

Women's Health and Genetics/Laboratory Corporation of America, LabCorp
Classification: Likely benign. Last evaluated: 2021-08-28. Review status: criteria provided, single submitter. Criteria: LabCorp Variant Classification Summary - May 2015. Collection method: clinical testing. Allele origin: germline.

GeneDx
Classification: Likely benign. Last evaluated: 2021-04-01. Review status: criteria provided, single submitter. Criteria: GeneDx Variant Classification Process June 2021. Collection method: clinical testing. Allele origin: germline. Affected: yes.

CHEO Genetics Diagnostic Laboratory, Children's Hospital of Eastern Ontario
Classification: Likely benign for Cardiomyopathy. Last evaluated: 2020-04-20. Review status: criteria provided, single submitter. Criteria: ACMG Guidelines, 2015. Collection method: clinical testing. Allele origin: germline.

Eurofins Ntd Llc (ga)
Classification: Uncertain significance. Last evaluated: 2013-10-28. Review status: criteria provided, single submitter. Criteria: EGL Classification Definitions 2015. Collection method: clinical testing. Allele origin: germline. Observed: 1 variant allele, 1 heterozygote.

PreventionGenetics, part of Exact Sciences
Classification: Likely benign for TTN-related condition. Last evaluated: 2020-07-09. Review status: no assertion criteria provided. Collection method: clinical testing. Allele origin: germline. Not counted in ClinVar's aggregate classification.
Comment: This variant is classified as likely benign based on ACMG/AMP sequence variant interpretation guidelines (Richards et al. 2015 PMID: 25741868, with internal and published modifications).

NM_001267550.2(TTN):c.23616C>T (p.Asn7872=)

Gene: TTN (titin; minus strand). Cytogenetic location: 2q31.2.
Variant type: single nucleotide variant.
Coding change: c.23616C>T on transcript NM_001267550.2 (MANE Select); coding-DNA position 23616, C replaced by T.
Protein change: p.Asn7872=; no amino-acid change (asparagine 7872 retained).
Molecular consequence: synonymous variant. On other transcripts: intron variant (3).
Genome position (GRCh38, 1-based): chr2:178,720,026, G>A on the plus strand (C>T on the coding strand, the complement: TTN is on the minus strand). VCF-style: chr2-178720026-G-A. GRCh37 (hg19) VCF-style: chr2-179584753-G-A.
Other names: p.Asn6628=; c.22665C>T, p.Asn7555= (NM_001256850.1); c.19884C>T, p.Asn6628= (NM_133378.4); c.13282+18056C>T (NM_003319.4); c.13858+18056C>T (NM_133437.4); c.13657+18056C>T (NM_133432.3).
Identifiers: ClinVar variation 96270 (VCV000096270.60), dbSNP rs181206334, ClinGen allele CA223891.